The following is an entry in ClinVar:

ClinVar aggregate classification (germline): Likely benign (1 of 4 stars; one submission).

Submission:

CeGaT Center for Human Genetics Tuebingen
Classification: Likely benign. Last evaluated: 2026-06-01. Review status: criteria provided, single submitter. Criteria: CeGaT Center For Human Genetics Tuebingen Variant Classification Criteria Version 2. Collection method: clinical testing. Allele origin: germline. Affected: yes. Observed: 2 variant alleles.
Comment: VPS50: BP4, BP7

NM_017667.4(VPS50):c.2589T>C (p.Tyr863=)

Gene: VPS50 (VPS50 subunit of EARP/GARPII complex; plus strand). Cytogenetic location: 7q21.3.
Variant type: single nucleotide variant.
Coding change: c.2589T>C on transcript NM_017667.4 (MANE Select); coding-DNA position 2589, T replaced by C.
Protein change: p.Tyr863=; no amino-acid change (tyrosine 863 retained).
Molecular consequence: synonymous variant.
Genome position (GRCh38, 1-based): chr7:93,355,894, T>C. VCF-style: chr7-93355894-T-C. GRCh37 (hg19) VCF-style: chr7-92985206-T-C.
Other names: c.2499T>C, p.Tyr833= (NM_001257998.2).
Identifiers: ClinVar variation 4820756 (VCV004820756.4).